The following is an entry in ClinVar:

NM_003119.4(SPG7):c.784G>C (p.Ala262Pro)

Gene: SPG7 (SPG7 matrix AAA peptidase subunit, paraplegin; plus strand). Cytogenetic location: 16q24.3.
Variant type: single nucleotide variant.
Coding change: c.784G>C on transcript NM_003119.4 (MANE Select); coding-DNA position 784, G replaced by C.
Protein change: p.Ala262Pro; replaces alanine 262 with proline.
Molecular consequence: missense variant.
Genome position (GRCh38, 1-based): chr16:89,529,502, G>C. VCF-style: chr16-89529502-G-C. GRCh37 (hg19) VCF-style: chr16-89595910-G-C.
Other names: c.784G>C, p.Ala262Pro (NM_001363850.1, NM_199367.3); short protein forms A262P.
Identifiers: ClinVar variation 1678633 (VCV001678633.4), dbSNP rs2152402052, ClinGen allele CA397418674.
Genomic context (GRCh38, chr16:89,529,502, plus strand): 5'-TCTGAGCCTGTGCCTGCCTCTCTTTCTTCCGGCAGTGCCCTGTACTCTGTGGGGATGACG[G>C]CAGTGGGCCTGGCCATCCTGTGGTATGTTTTCCGTCTGGCCGGGATGACTGGAAGGGAAG-3'
Protein context (NP_003110.1, residues 252-272): GNALYSVGMT[Ala262Pro]VGLAILWYVF

ClinVar aggregate classification (germline): Uncertain significance. Review status: criteria provided, multiple submitters, no conflicts (2 of 4 stars). 2 submissions from 2 submitters: Uncertain significance (2). Last evaluated 2024-07-10.

Conditions:
Hereditary spastic paraplegia 7 (SPG7). Also called: SPASTIC PARAPLEGIA 7, AUTOSOMAL RECESSIVE, WITH OR WITHOUT CEREBELLAR ATAXIA; Spastic paraplegia 7; Hereditary spastic paraplegia Paraplegin type; Autosomal recessive spastic paraplegia type 7; SPG7-related neurologic disorder. Identifiers: Orphanet 99013, MedGen C1846564, MONDO:0011803, OMIM 607259.

gnomAD v4.1: 16 of 1,613,642 alleles (0.00099%); highest among the groups gnomAD compares: Non-Finnish European, 0.0014%; no homozygotes.

Submissions (2):

Labcorp Genetics (formerly Invitae), Labcorp
Classification: Uncertain significance for Hereditary spastic paraplegia 7. Last evaluated: 2024-07-10. Review status: criteria provided, single submitter. Criteria: Invitae Variant Classification Sherloc (09022015). Collection method: clinical testing. Allele origin: germline.
Comment: This sequence change replaces alanine, which is neutral and non-polar, with proline, which is neutral and non-polar, at codon 262 of the SPG7 protein (p.Ala262Pro). This variant is not present in population databases (gnomAD no frequency). This variant has not been reported in the literature in individuals affected with SPG7-related conditions. ClinVar contains an entry for this variant (Variation ID: 1678633). Advanced modeling of protein sequence and biophysical properties (such as structural, functional, and spatial information, amino acid conservation, physicochemical variation, residue mobility, and thermodynamic stability) performed at Invitae indicates that this missense variant is not expected to disrupt SPG7 protein function with a negative predictive value of 80%. In summary, the available evidence is currently insufficient to determine the role of this variant in disease. Therefore, it has been classified as a Variant of Uncertain Significance.

Molecular Genetics, Royal Melbourne Hospital
Classification: Uncertain significance for Hereditary spastic paraplegia 7. Last evaluated: 2020-05-28. Review status: criteria provided, single submitter. Criteria: ACMG Guidelines, 2015. Collection method: clinical testing. Allele origin: germline. Affected: yes.
Comment: This sequence change is predicted to replace alanine with proline at codon 262 of the SPG7 protein (p.Ala262Pro). The alanine residue is moderately conserved (100 vertebrates, UCSC), and located in the second transmembrane domain. There is a small physicochemical difference between alanine and proline. The variant is absent in a large population cohort (PM2; gnomAD v2.1), and has not been reported in the relevant medical literature or databases. A second pathogenic variant (phase unknown) in SPG7 has been identified in a individual with cerebellar ataxia, neuropathy, ophthalmoplegia, and hearing impairment (PM3_Supporting; Royal Melbourne Hospital). Multiple lines of computational evidence predict a deleterious effect for the missense substitution (PP3; 5/7 algorithms). Based on the classification scheme RMH ACMG Guidelines v1.2.1, this variant is classified as a VARIANT of UNCERTAIN SIGNIFICANCE. Following criteria are met: PM2, PM3_Supporting, PP3.